The following is an entry in ClinVar:

NM_000038.6(APC):c.5958T>C (p.Pro1986=)

Gene: APC (APC regulator of Wnt signaling pathway; plus strand). Cytogenetic location: 5q22.2.
Variant type: single nucleotide variant.
Coding change: c.5958T>C on transcript NM_000038.6 (MANE Select); coding-DNA position 5958, T replaced by C.
Protein change: p.Pro1986=; no amino-acid change (proline 1986 retained).
Molecular consequence: synonymous variant. On other transcripts: non-coding transcript variant (2).
Genome position (GRCh38, 1-based): chr5:112,841,552, T>C. VCF-style: chr5-112841552-T-C. GRCh37 (hg19) VCF-style: chr5-112177249-T-C.
Other names: c.5958T>C, p.Pro1986= (NM_001127510.3, NM_001354895.2, NM_001407450.1); c.5904T>C, p.Pro1968= (NM_001127511.3); c.6012T>C, p.Pro2004= (NM_001354896.2, NM_001407447.1, NM_001407448.1 and 1 more transcripts); c.5988T>C, p.Pro1996= (NM_001354897.2); c.5883T>C, p.Pro1961= (NM_001354898.2); c.5874T>C, p.Pro1958= (NM_001354899.2); c.5835T>C, p.Pro1945= (NM_001354900.2); c.5781T>C, p.Pro1927= (NM_001354901.2, NM_001407453.1); and 11 more.
Identifiers: ClinVar variation 3254514 (VCV003254514.1), dbSNP rs1580666062.

ClinVar aggregate classification (germline): Benign (1 of 4 stars; one submission).

Conditions:
Familial adenomatous polyposis 1 (FAP1). Also called: FAMILIAL ADENOMATOUS POLYPOSIS 1, ATTENUATED; POLYPOSIS, ADENOMATOUS INTESTINAL. Identifiers: MedGen C2713442, MONDO:0021056, OMIM 175100. Disease mechanism: loss of function.

Submission:

Myriad Genetics, Inc.
Classification: Benign for Familial adenomatous polyposis 1. Last evaluated: 2024-04-03. Review status: criteria provided, single submitter. Criteria: Myriad Autosomal Dominant, Autosomal Recessive and X-Linked Classification Criteria (2023). Collection method: clinical testing. Allele origin: unknown.
Comment: This variant is considered benign. This variant is a silent/synonymous amino acid change and it is not expected to impact splicing.